The following is an entry in ClinVar:

NM_006088.6(TUBB4B):c.643C>T (p.Leu215=)

Gene: TUBB4B (tubulin beta 4B class IVb; plus strand). Cytogenetic location: 9q34.3.
Variant type: single nucleotide variant.
Coding change: c.643C>T on transcript NM_006088.6 (MANE Select); coding-DNA position 643, C replaced by T.
Protein change: p.Leu215=; no amino-acid change (leucine 215 retained).
Molecular consequence: synonymous variant.
Genome position (GRCh38, 1-based): chr9:137,242,861, C>T. VCF-style: chr9-137242861-C-T. GRCh37 (hg19) VCF-style: chr9-140137313-C-T.
Other names: c.643C>T (NM_006088.5).
Identifiers: ClinVar variation 3627223 (VCV003627223.4).

ClinVar aggregate classification (germline): Likely benign. Review status: criteria provided, multiple submitters, no conflicts (2 of 4 stars). 3 submissions from 3 submitters: Likely benign (3). Last evaluated 2025-10-09.

Conditions:
TUBB4B-related disorder. Also called: TUBB4B-related condition.

Submissions (3):

PreventionGenetics, part of Exact Sciences
Classification: Likely benign for TUBB4B-related condition. Last evaluated: 2025-10-09. Review status: criteria provided, single submitter. Criteria: ACMG Guidelines, 2015. Collection method: clinical testing. Allele origin: germline.
Comment: This variant is classified as likely benign based on ACMG/AMP sequence variant interpretation guidelines (Richards et al. 2015 PMID: 25741868, with internal and published modifications).

Labcorp Genetics (formerly Invitae), Labcorp
Classification: Likely benign. Last evaluated: 2025-01-19. Review status: criteria provided, single submitter. Criteria: Invitae Variant Classification Sherloc (09022015). Collection method: clinical testing. Allele origin: germline.

Blueprint Genetics
Classification: Likely benign. Last evaluated: 2022-02-01. Review status: criteria provided, single submitter. Criteria: ACMG Guidelines, 2015. Collection method: clinical testing. Allele origin: germline.